The following is an entry in ClinVar:

NM_004407.4(DMP1):c.205A>T (p.Ser69Cys)

Genes: DMP1 (dentin matrix acidic phosphoprotein 1; plus strand), DMP1-AS1 (DMP1 and DSPP antisense RNA 1; minus strand). Cytogenetic location: 4q22.1.
Variant type: single nucleotide variant.
Coding change: c.205A>T on transcript NM_004407.4 (MANE Select); coding-DNA position 205, A replaced by T.
Protein change: p.Ser69Cys; replaces serine 69 with cysteine.
Molecular consequence: missense variant.
Genome position (GRCh38, 1-based): chr4:87,661,983, A>T. VCF-style: chr4-87661983-A-T. GRCh37 (hg19) VCF-style: chr4-88583135-A-T.
Other names: c.157A>T, p.Ser53Cys (NM_001079911.3); short protein forms S69C, S53C.
Identifiers: ClinVar variation 349970 (VCV000349970.26), dbSNP rs10019009, ClinGen allele CA3001990.
Genomic context (GRCh38, chr4:87,661,983, plus strand): 5'-CCTGGAATACTGACCATATCTGTTAACCCCAAATTCTAGGCAAATGAAGACCCCAGTGAC[A>T]GCACTCAGTCAGAGGAGGGCCTGGGCTCTGATGATCATCAATACATTTATAGGCTAGCTG-3'
Protein context (NP_004398.1, residues 59-79): EEQANEDPSD[Ser69Cys]TQSEEGLGSD

ClinVar aggregate classification (germline): Benign. Review status: criteria provided, multiple submitters, no conflicts (2 of 4 stars). 10 submissions from 10 submitters: Benign (8). 2 of the submissions do not count toward it. Last evaluated 2026-02-04.

Conditions:
Hypophosphatemic rickets, autosomal recessive, 1 (ARHR1). Also called: HYPOPHOSPHATEMIA, AUTOSOMAL RECESSIVE. Identifiers: Orphanet 289176, MedGen C4551495, MONDO:0009430, OMIM 241520. Disease mechanism: loss of function.

Allele frequency attached by ClinVar (database versions not stated): ESP Exome Variant Server 0.27610; TOPMed 0.28360; 1000 Genomes Project 0.28894; 1000 Genomes Project 30x 0.28998; gnomAD 0.29735.
gnomAD v4.1: 444,526 of 1,613,724 alleles (28%); highest among the groups gnomAD compares: East Asian, 41%; 63,234 homozygotes.

Submissions (10):

Labcorp Genetics (formerly Invitae), Labcorp
Classification: Benign. Last evaluated: 2026-02-04. Review status: criteria provided, single submitter. Criteria: Invitae Variant Classification Sherloc (09022015). Collection method: clinical testing. Allele origin: germline.

Blueprint Genetics
Classification: Benign. Last evaluated: 2024-11-26. Review status: criteria provided, single submitter. Criteria: ACMG Guidelines, 2015. Collection method: clinical testing. Allele origin: germline.

Mayo Clinic Laboratories, Mayo Clinic
Classification: Benign. Last evaluated: 2022-03-09. Review status: criteria provided, single submitter. Criteria: ACMG Guidelines, 2015. Collection method: clinical testing. Allele origin: germline. Observed: 71 variant alleles.

Genome-Nilou Lab
Classification: Benign for Hypophosphatemic rickets, autosomal recessive, 1. Last evaluated: 2021-07-30. Review status: criteria provided, single submitter. Criteria: ACMG Guidelines, 2015. Collection method: clinical testing. Allele origin: germline. Affected: no.

Mendelics
Classification: Benign for Hypophosphatemic rickets, autosomal recessive, 1. Last evaluated: 2019-05-28. Review status: criteria provided, single submitter. Criteria: Mendelics Assertion Criteria 2017. Collection method: clinical testing. Allele origin: unknown.

Illumina Laboratory Services, Illumina
Classification: Benign for Hypophosphatemic rickets, autosomal recessive, 1. Last evaluated: 2018-01-13. Review status: criteria provided, single submitter. Criteria: ICSL Variant Classification Criteria 13 December 2019. Collection method: clinical testing. Allele origin: germline.
Comment: This variant was observed in the ICSL laboratory as part of a predisposition screen in an ostensibly healthy population. It had not been previously curated by ICSL or reported in the Human Gene Mutation Database (HGMD: prior to June 1st, 2018), and was therefore a candidate for classification through an automated scoring system. Utilizing variant allele frequency, disease prevalence and penetrance estimates, and inheritance mode, an automated score was calculated to assess if this variant is too frequent to cause the disease. Based on the score and internal cut-off values, a variant classified as benign is not then subjected to further curation. The score for this variant resulted in a classification of benign for this disease.

GeneDx
Classification: Benign. Last evaluated: 2015-03-03. Review status: criteria provided, single submitter. Criteria: GeneDx Variant Classification Process June 2021. Collection method: clinical testing. Allele origin: germline. Affected: yes.

Breakthrough Genomics
Classification: Benign. Review status: criteria provided, single submitter. Criteria: ACMG Guidelines, 2015. Collection method: not provided. Allele origin: germline. Inheritance: Autosomal recessive inheritance. Affected: yes.

Diagnostic Laboratory, Department of Genetics, University Medical Center Groningen
Classification: Benign. Review status: no assertion criteria provided. Collection method: clinical testing. Allele origin: germline. Affected: yes. Study: VKGL Data-share Consensus. Not counted in ClinVar's aggregate classification.

Joint Genome Diagnostic Labs from Nijmegen and Maastricht, Radboudumc and MUMC+
Classification: Benign. Review status: no assertion criteria provided. Collection method: clinical testing. Allele origin: germline. Affected: yes. Study: VKGL Data-share Consensus. Not counted in ClinVar's aggregate classification.